The following is an entry in ClinVar:

NM_001171155.2(PET100):c.184GAG[1] (p.Glu63del)

Genes: PET100 (PET100 cytochrome c oxidase chaperone; plus strand), STXBP2 (syntaxin binding protein 2; plus strand). Cytogenetic location: 19p13.2.
Variant type: Microsatellite.
Coding change: c.184GAG[1] on transcript NM_001171155.2 (MANE Select); one copy of the 3-base unit GAG starting at c.184; the reference has two copies in a row; one copy, 3 bases deleted; also written c.187_189del.
Protein change: p.Glu63del; deletes glutamic acid 63.
Molecular consequence: inframe deletion. On other transcripts: non-coding transcript variant (1).
Genome position (GRCh38, 1-based): chr19:7,631,521-7,631,523, GAG deleted; deleting any 3 consecutive bases within chr19:7,631,517-7,631,523 gives the same sequence; the position shown is the placement nearest the transcript's 3' end. VCF-style (leftmost placement, unchanged base first): chr19-7631516-GGGA-G. GRCh37 (hg19) VCF-style: chr19-7696402-GGGA-G.
Other names: c.187_189del (NM_001171155.2); short protein forms E63del.
Identifiers: ClinVar variation 1368798 (VCV001368798.7), dbSNP rs1322397607, ClinGen allele CA631324114.

ClinVar aggregate classification (germline): Uncertain significance. Review status: criteria provided, multiple submitters, no conflicts (2 of 4 stars). 2 submissions from 2 submitters: Uncertain significance (2). Last evaluated 2024-02-09.

Conditions:
Mitochondrial complex IV deficiency, nuclear type 12. Also called: Mitochondrial complex 4 deficiency, nuclear type 12. Identifiers: MedGen C5436695, MONDO:0033646, OMIM 619055.

Submissions (2):

Fulgent Genetics
Classification: Uncertain significance for Mitochondrial complex IV deficiency, nuclear type 12. Last evaluated: 2024-02-09. Review status: criteria provided, single submitter. Criteria: ACMG Guidelines, 2015. Collection method: clinical testing. Allele origin: germline.

Labcorp Genetics (formerly Invitae), Labcorp
Classification: Uncertain significance. Last evaluated: 2022-02-05. Review status: criteria provided, single submitter. Criteria: Invitae Variant Classification Sherloc (09022015). Collection method: clinical testing. Allele origin: germline.
Comment: This variant, c.187_189del, results in the deletion of 1 amino acid(s) of the PET100 protein (p.Glu63del), but otherwise preserves the integrity of the reading frame. This variant is present in population databases (no rsID available, gnomAD 0.02%). This variant has not been reported in the literature in individuals affected with PET100-related conditions. Experimental studies and prediction algorithms are not available or were not evaluated, and the functional significance of this variant is currently unknown. In summary, the available evidence is currently insufficient to determine the role of this variant in disease. Therefore, it has been classified as a Variant of Uncertain Significance.